The following is an entry in ClinVar:

NM_004525.3(LRP2):c.1703C>T (p.Ser568Leu)

Gene: LRP2 (LDL receptor related protein 2; minus strand). Cytogenetic location: 2q31.1.
Variant type: single nucleotide variant.
Coding change: c.1703C>T on transcript NM_004525.3 (MANE Select); coding-DNA position 1703, C replaced by T.
Protein change: p.Ser568Leu; replaces serine 568 with leucine.
Molecular consequence: missense variant.
Genome position (GRCh38, 1-based): chr2:169,277,814, G>A on the plus strand (C>T on the coding strand, the complement: LRP2 is on the minus strand). VCF-style: chr2-169277814-G-A. GRCh37 (hg19) VCF-style: chr2-170134324-G-A.
Other names: c.1703C>T (NM_004525.2); short protein forms S568L.
Identifiers: ClinVar variation 1335416 (VCV001335416.39), dbSNP rs141305635, ClinGen allele CA1955499.

ClinVar aggregate classification (germline): Uncertain significance. Review status: criteria provided, multiple submitters, no conflicts (2 of 4 stars). 5 submissions from 5 submitters: Uncertain significance (5). Last evaluated 2025-03-06.

Conditions:
Inborn genetic diseases. Identifiers: MedGen C0950123, MeSH D030342.
Donnai-Barrow syndrome. Also called: DBS/FOAR SYNDROME; FACIOOCULOACOUSTICORENAL SYNDROME. Identifiers: Orphanet 2143, MedGen C1857277, MONDO:0009104, OMIM 222448.

Allele frequency attached by ClinVar (database versions not stated): gnomAD 0.00003 and 0.00004; gnomAD exomes 0.00004 and 0.00005; ExAC 0.00007; ESP Exome Variant Server 0.00015.
gnomAD v4.1: 77 of 1,613,870 alleles (0.0048%); highest among the groups gnomAD compares: Non-Finnish European, 0.0058%; no homozygotes.

Submissions (5):

Ambry Genetics
Classification: Uncertain significance for Inborn genetic diseases. Last evaluated: 2025-03-06. Review status: criteria provided, single submitter. Criteria: Ambry Variant Classification Scheme 2023. Collection method: clinical testing. Allele origin: germline.

GeneDx
Classification: Uncertain significance. Last evaluated: 2023-01-30. Review status: criteria provided, single submitter. Criteria: GeneDx Variant Classification Process June 2021. Collection method: clinical testing. Allele origin: germline. Affected: yes.
Comment: In silico analysis supports that this missense variant has a deleterious effect on protein structure/function; Has not been previously published as pathogenic or benign to our knowledge

CeGaT Center for Human Genetics Tuebingen
Classification: Uncertain significance. Last evaluated: 2022-09-01. Review status: criteria provided, single submitter. Criteria: CeGaT Center For Human Genetics Tuebingen Variant Classification Criteria Version 2. Collection method: clinical testing. Allele origin: germline. Affected: yes. Observed: 1 variant allele.
Comment: LRP2: PM2

Labcorp Genetics (formerly Invitae), Labcorp
Classification: Uncertain significance. Last evaluated: 2022-06-22. Review status: criteria provided, single submitter. Criteria: Invitae Variant Classification Sherloc (09022015). Collection method: clinical testing. Allele origin: germline.
Comment: This sequence change replaces serine, which is neutral and polar, with leucine, which is neutral and non-polar, at codon 568 of the LRP2 protein (p.Ser568Leu). This variant is present in population databases (rs141305635, gnomAD 0.008%). This variant has not been reported in the literature in individuals affected with LRP2-related conditions. ClinVar contains an entry for this variant (Variation ID: 1335416). Advanced modeling of protein sequence and biophysical properties (such as structural, functional, and spatial information, amino acid conservation, physicochemical variation, residue mobility, and thermodynamic stability) performed at Invitae indicates that this missense variant is not expected to disrupt LRP2 protein function. In summary, the available evidence is currently insufficient to determine the role of this variant in disease. Therefore, it has been classified as a Variant of Uncertain Significance.

Fulgent Genetics
Classification: Uncertain significance for Donnai-Barrow syndrome. Last evaluated: 2022-02-24. Review status: criteria provided, single submitter. Criteria: ACMG Guidelines, 2015. Collection method: clinical testing. Allele origin: unknown.